The following is an entry in ClinVar:

ClinVar aggregate classification (germline): Uncertain significance (1 of 4 stars; one submission).

Submission:

GeneDx
Classification: Uncertain significance. Last evaluated: 2024-12-29. Review status: criteria provided, single submitter. Criteria: GeneDx Variant Classification Process June 2021. Collection method: clinical testing. Allele origin: germline. Affected: yes.
Comment: Not observed at significant frequency in large population cohorts (gnomAD); In silico analysis supports that this missense variant has a deleterious effect on protein structure/function; In silico analysis supports a deleterious effect on splicing; Has not been previously published as pathogenic or benign to our knowledge

NM_006842.3(SF3B2):c.1842G>T (p.Arg614Ser)

Gene: SF3B2 (splicing factor 3b subunit 2; plus strand). Cytogenetic location: 11q13.1.
Variant type: single nucleotide variant.
Coding change: c.1842G>T on transcript NM_006842.3 (MANE Select); coding-DNA position 1842, G replaced by T.
Protein change: p.Arg614Ser; replaces arginine 614 with serine.
Molecular consequence: missense variant.
Genome position (GRCh38, 1-based): chr11:66,061,748, G>T. VCF-style: chr11-66061748-G-T. GRCh37 (hg19) VCF-style: chr11-65829219-G-T.
Other names: short protein forms R614S.
Identifiers: ClinVar variation 3907998 (VCV003907998.1).
Genomic context (GRCh38, chr11:66,061,748, plus strand): 5'-GAAGGAGTTCGAGACACGACTGAAGGAGAAGAAGCCAGGAGATCTGTCTGATGAGCTAAG[G>T]ATTTCCTTGGGGATGCCAGTAGGACCAGTGAGTGTCAGTTAGCTGTCTGGGGAAGCAGCG-3'
Protein context (NP_006833.2, residues 604-624): KKPGDLSDEL[Arg614Ser]ISLGMPVGPN